The following is an entry in ClinVar:

ClinVar aggregate classification (germline): Pathogenic. Review status: reviewed by expert panel (3 of 4 stars). 2 submissions from 2 submitters: Pathogenic (1). 1 of the submissions does not count toward it. Last evaluated 2016-10-18.

Conditions:
Breast-ovarian cancer, familial, susceptibility to, 1 (BROVCA1). Also called: BRCA1 Hereditary Breast and Ovarian Cancer; OVARIAN CANCER, SUSCEPTIBILITY TO. Identifiers: Orphanet 145, MedGen C2676676, MONDO:0011450, OMIM 604370. Disease mechanism: loss of function.

Submissions (2):

Evidence-based Network for the Interpretation of Germline Mutant Alleles (ENIGMA)
Classification: Pathogenic for Breast-ovarian cancer, familial, susceptibility to, 1. Last evaluated: 2016-10-18. Review status: reviewed by expert panel. Criteria: ENIGMA BRCA1/2 Classification Criteria (2015). Collection method: curation. Allele origin: germline.
Comment: Variant allele predicted to encode a truncated non-functional protein.

Consortium of Investigators of Modifiers of BRCA1/2 (CIMBA), c/o University of Cambridge
Classification: Pathogenic for Breast-ovarian cancer, familial, susceptibility to, 1. Last evaluated: 2015-10-02. Review status: criteria provided, single submitter. Criteria: CIMBA Mutation Classification guidelines May 2016. Collection method: clinical testing. Allele origin: germline. Not counted in ClinVar's aggregate classification.

NM_007294.4(BRCA1):c.2648_2649insGGCA (p.Thr884fs)

Gene: BRCA1 (BRCA1 DNA repair associated; minus strand). Cytogenetic location: 17q21.31.
Variant type: Insertion.
Coding change: c.2648_2649insGGCA on transcript NM_007294.4 (MANE Select); coding-DNA positions 2648 to 2649, GGCA inserted.
Protein change: p.Thr884fs; shifts the reading frame from threonine 884.
Molecular consequence: frameshift variant. On other transcripts: intron variant (137).
Genome position: GRCh38 VCF-style: chr17-43092882-T-TTGCC. GRCh37 (hg19) VCF-style: chr17-41244899-T-TTGCC.
Other names: 2767ins4; c.788-1851_788-1850insGGCA (NM_001407976.1, NM_001408404.1, NM_001408472.1 and 17 more transcripts); c.653-1851_653-1850insGGCA (NM_001408451.1); c.644-1851_644-1850insGGCA (NM_001408464.1, NM_001408468.1, NM_001408465.1 and 3 more transcripts); c.524-1851_524-1850insGGCA (NM_001408498.1, NM_001408501.1, NM_001408500.1 and 3 more transcripts); c.647-1851_647-1850insGGCA (NM_001408467.1, NM_001408459.1, NM_001408455.1 and 11 more transcripts); c.584-1851_584-1850insGGCA (NM_001408475.1); c.710-1851_710-1850insGGCA (NM_001408412.1, NM_001408409.1, NM_001408414.1 and 2 more transcripts); and 42 more; short protein forms T837fs, T884fs, T756fs, T772fs, T773fs, T813fs, T814fs, T843fs.
Identifiers: ClinVar variation 266287 (VCV000266287.6), dbSNP rs886040057, ClinGen allele CA10589829.